The following is an entry in ClinVar:

NM_005676.5(RBM10):c.2484C>T (p.Pro828=)

Gene: RBM10 (RNA binding motif protein 10; plus strand). Cytogenetic location: Xp11.3.
Variant type: single nucleotide variant.
Coding change: c.2484C>T on transcript NM_005676.5 (MANE Select); coding-DNA position 2484, C replaced by T.
Protein change: p.Pro828=; no amino-acid change (proline 828 retained).
Molecular consequence: synonymous variant.
Genome position (GRCh38, 1-based): chrX:47,186,118, C>T. VCF-style: chrX-47186118-C-T. GRCh37 (hg19) VCF-style: chrX-47045517-C-T.
Other names: c.2253C>T, p.Pro751= (NM_001204466.2); c.2481C>T, p.Pro827= (NM_001204467.2); c.2679C>T, p.Pro893= (NM_001204468.2); c.2250C>T, p.Pro750= (NM_152856.3); c.2484C>T (NM_005676.4).
Identifiers: ClinVar variation 2058589 (VCV002058589.29), dbSNP rs139148914, ClinGen allele CA10395475.

ClinVar aggregate classification (germline): Benign/Likely benign. Review status: criteria provided, multiple submitters, no conflicts (2 of 4 stars). 3 submissions from 3 submitters: Benign (1); Likely benign (1). 1 of the submissions does not count toward it. Last evaluated 2025-09-10.

Conditions:
RBM10-related disorder. Also called: RBM10-related condition.

Allele frequency attached by ClinVar (database versions not stated): ESP Exome Variant Server 0.00009; 1000 Genomes Project 30x 0.00021; 1000 Genomes Project 0.00026; gnomAD exomes 0.00032.
gnomAD v4.1: 370 of 1,211,904 alleles (0.031%); highest among the groups gnomAD compares: Non-Finnish European, 0.038%; no homozygotes.

Submissions (3):

Labcorp Genetics (formerly Invitae), Labcorp
Classification: Benign. Last evaluated: 2025-09-10. Review status: criteria provided, single submitter. Criteria: Invitae Variant Classification Sherloc (09022015). Collection method: clinical testing. Allele origin: germline.

CeGaT Center for Human Genetics Tuebingen
Classification: Likely benign. Last evaluated: 2023-08-01. Review status: criteria provided, single submitter. Criteria: CeGaT Center For Human Genetics Tuebingen Variant Classification Criteria Version 2. Collection method: clinical testing. Allele origin: germline. Affected: yes. Observed: 1 variant allele.
Comment: RBM10: BP4, BP7, BS2

PreventionGenetics, part of Exact Sciences
Classification: Likely benign for RBM10-related condition. Last evaluated: 2019-07-31. Review status: no assertion criteria provided. Collection method: clinical testing. Allele origin: germline. Not counted in ClinVar's aggregate classification.
Comment: This variant is classified as likely benign based on ACMG/AMP sequence variant interpretation guidelines (Richards et al. 2015 PMID: 25741868, with internal and published modifications).